The following is an entry in ClinVar:

NM_000642.3(AGL):c.911T>C (p.Val304Ala)

Gene: AGL (amylo-alpha-1,6-glucosidase and 4-alpha-glucanotransferase; plus strand). Cytogenetic location: 1p21.2.
Variant type: single nucleotide variant.
Coding change: c.911T>C on transcript NM_000642.3 (MANE Select); coding-DNA position 911, T replaced by C.
Protein change: p.Val304Ala; replaces valine 304 with alanine.
Molecular consequence: missense variant.
Genome position (GRCh38, 1-based): chr1:99,870,822, T>C. VCF-style: chr1-99870822-T-C. GRCh37 (hg19) VCF-style: chr1-100336378-T-C.
Other names: c.911T>C, p.Val304Ala (NM_000028.3, NM_000643.3, NM_000644.3 and 3 more transcripts); c.863T>C, p.Val288Ala (NM_000646.3); c.707T>C, p.Val236Ala (NM_001425328.1, NM_001425329.1); c.533T>C, p.Val178Ala (NM_001425332.1); short protein forms V304A, V288A, V178A, V236A.
Identifiers: ClinVar variation 1405689 (VCV001405689.4), dbSNP rs763076276, ClinGen allele CA966309.

ClinVar aggregate classification (germline): Uncertain significance (1 of 4 stars; one submission).

Conditions:
Glycogen storage disease type III (GSD3). Also called: Cori disease; FORBES DISEASE. Identifiers: Orphanet 366, MedGen C0017922, MONDO:0009291, OMIM 232400.

Allele frequency attached by ClinVar (database versions not stated): gnomAD exomes 0.00001 and 0.00004; TOPMed 0.00002; ExAC 0.00005.

Submission:

Labcorp Genetics (formerly Invitae), Labcorp
Classification: Uncertain significance for Glycogen storage disease type III. Last evaluated: 2023-10-03. Review status: criteria provided, single submitter. Criteria: Invitae Variant Classification Sherloc (09022015). Collection method: clinical testing. Allele origin: germline.
Comment: This sequence change replaces valine, which is neutral and non-polar, with alanine, which is neutral and non-polar, at codon 304 of the AGL protein (p.Val304Ala). This variant is present in population databases (rs763076276, gnomAD 0.03%). This variant has not been reported in the literature in individuals affected with AGL-related conditions. ClinVar contains an entry for this variant (Variation ID: 1405689). Advanced modeling of protein sequence and biophysical properties (such as structural, functional, and spatial information, amino acid conservation, physicochemical variation, residue mobility, and thermodynamic stability) performed at Invitae indicates that this missense variant is not expected to disrupt AGL protein function. Algorithms developed to predict the effect of sequence changes on RNA splicing suggest that this variant may create or strengthen a splice site. In summary, the available evidence is currently insufficient to determine the role of this variant in disease. Therefore, it has been classified as a Variant of Uncertain Significance.